The following is an entry in ClinVar:

NM_000937.5(POLR2A):c.2228G>A (p.Arg743His)

Gene: POLR2A (RNA polymerase II subunit A; plus strand). Cytogenetic location: 17p13.1.
Variant type: single nucleotide variant.
Coding change: c.2228G>A on transcript NM_000937.5 (MANE Select); coding-DNA position 2228, G replaced by A.
Protein change: p.Arg743His; replaces arginine 743 with histidine.
Molecular consequence: missense variant.
Genome position (GRCh38, 1-based): chr17:7,501,608, G>A. VCF-style: chr17-7501608-G-A. GRCh37 (hg19) VCF-style: chr17-7404927-G-A.
Other names: short protein forms R743H.
Identifiers: ClinVar variation 4529605 (VCV004529605.1).
Genomic context (GRCh38, chr17:7,501,608, plus strand): 5'-ATGAGCTGGAGCCCACCCCAGGGAACACTCTGCGGCAGACGTTTGAGAATCAGGTGAACC[G>A]CATTCTTAACGATGCCCGAGACAAGACTGGCTCCTCTGCTCAGAAATCCCTGTCTGAATA-3'
Protein context (NP_000928.1, residues 733-753): LRQTFENQVN[Arg743His]ILNDARDKTG

ClinVar aggregate classification (germline): Uncertain significance (1 of 4 stars; one submission).

Submission:

GeneDx
Classification: Uncertain significance. Last evaluated: 2025-05-15. Review status: criteria provided, single submitter. Criteria: GeneDx Variant Classification Process June 2021. Collection method: clinical testing. Allele origin: germline. Affected: yes.
Comment: Not observed at significant frequency in large population cohorts (gnomAD); In silico analysis supports that this missense variant has a deleterious effect on protein structure/function; Has not been previously published as pathogenic or benign to our knowledge